The following is an entry in ClinVar:

ClinVar aggregate classification (germline): Uncertain significance (1 of 4 stars; one submission).

Conditions:
Combined oxidative phosphorylation defect type 8. Also called: CARDIOMYOPATHY, HYPERTROPHIC MITOCHONDRIAL, FATAL INFANTILE. Identifiers: Orphanet 319504, MedGen C4518839, MONDO:0013570, OMIM 614096.

Allele frequency attached by ClinVar (database versions not stated): gnomAD exomes below 0.00001; ExAC 0.00001; TOPMed 0.00001.

Submission:

Baylor Genetics
Classification: Uncertain significance for Combined oxidative phosphorylation defect type 8. Last evaluated: 2019-07-16. Review status: criteria provided, single submitter. Criteria: ACMG Guidelines, 2015. Collection method: clinical testing. Allele origin: unknown. Affected: yes.
Comment: This variant was determined to be of uncertain significance according to ACMG Guidelines, 2015 [PMID:25741868].

NM_020745.4(AARS2):c.472C>A (p.Gln158Lys)

Gene: AARS2 (alanyl-tRNA synthetase 2, mitochondrial; minus strand). Cytogenetic location: 6p21.1.
Variant type: single nucleotide variant.
Coding change: c.472C>A on transcript NM_020745.4 (MANE Select); coding-DNA position 472, C replaced by A.
Protein change: p.Gln158Lys; replaces glutamine 158 with lysine.
Molecular consequence: missense variant.
Genome position (GRCh38, 1-based): chr6:44,311,499, G>T on the plus strand (C>A on the coding strand, the complement: AARS2 is on the minus strand). VCF-style: chr6-44311499-G-T. GRCh37 (hg19) VCF-style: chr6-44279236-G-T.
Other names: short protein forms Q158K.
Identifiers: ClinVar variation 1030726 (VCV001030726.1), dbSNP rs759138272, ClinGen allele CA3834625.
Genomic context (GRCh38, chr6:44,311,499, plus strand): 5'-CCTTGGGGTCACCATCAAAGTAGGAGATCCAGAGCCTTTCCTCAGGGATCCCATAGACCT[G>T]AGTCAGCAGTTCCCAGGCCATGTTACAAGCCTCCTCCTGCAGCAGAAACCAGCATGGGGT-3'
Protein context (NP_065796.2, residues 148-168): ACNMAWELLT[Gln158Lys]VYGIPEERLW